The following is an entry in ClinVar:

NM_001142800.2(EYS):c.5675C>T (p.Ser1892Phe)

Gene: EYS (eyes shut homolog; minus strand). Cytogenetic location: 6q12.
Variant type: single nucleotide variant.
Coding change: c.5675C>T on transcript NM_001142800.2 (MANE Select); coding-DNA position 5675, C replaced by T.
Protein change: p.Ser1892Phe; replaces serine 1892 with phenylalanine.
Molecular consequence: missense variant.
Genome position (GRCh38, 1-based): chr6:64,439,322, G>A on the plus strand (C>T on the coding strand, the complement: EYS is on the minus strand). VCF-style: chr6-64439322-G-A. GRCh37 (hg19) VCF-style: chr6-65149215-G-A.
Other names: c.5675C>T, p.Ser1892Phe (NM_001292009.2); short protein forms S1892F.
Identifiers: ClinVar variation 1495748 (VCV001495748.5), dbSNP rs559880561, ClinGen allele CA3876991.

ClinVar aggregate classification (germline): Uncertain significance (1 of 4 stars; one submission).

Allele frequency attached by ClinVar (database versions not stated): ExAC 0.00005; 1000 Genomes Project 30x 0.00016; gnomAD 0.00001; gnomAD exomes 0.00002; 1000 Genomes Project 0.00020.
gnomAD v4.1: 23 of 1,513,100 alleles (0.0015%); highest among the groups gnomAD compares: African/African-American, 0.0042%; no homozygotes.

Submission:

Labcorp Genetics (formerly Invitae), Labcorp
Classification: Uncertain significance. Last evaluated: 2022-05-05. Review status: criteria provided, single submitter. Criteria: Invitae Variant Classification Sherloc (09022015). Collection method: clinical testing. Allele origin: germline.
Comment: This sequence change replaces serine, which is neutral and polar, with phenylalanine, which is neutral and non-polar, at codon 1892 of the EYS protein (p.Ser1892Phe). This variant is present in population databases (rs559880561, gnomAD 0.01%). This variant has not been reported in the literature in individuals affected with EYS-related conditions. Algorithms developed to predict the effect of missense changes on protein structure and function are either unavailable or do not agree on the potential impact of this missense change (SIFT: "Deleterious"; PolyPhen-2: "Probably Damaging"; Align-GVGD: "Class C15"). In summary, the available evidence is currently insufficient to determine the role of this variant in disease. Therefore, it has been classified as a Variant of Uncertain Significance.